The following is an entry in ClinVar:

ClinVar aggregate classification (germline): Pathogenic (1 of 4 stars; one submission).

Conditions:
Stickler syndrome type 1 (STL1). Also called: ARTHROOPHTHALMOPATHY, HEREDITARY PROGRESSIVE; STICKLER SYNDROME, MEMBRANOUS VITREOUS TYPE; STICKLER SYNDROME, VITREOUS TYPE 1; COL2A1-Related Stickler Syndrome. Identifiers: Orphanet 828, Orphanet 90653, MedGen C2020284, MONDO:0007160, OMIM 108300.

Submission:

Centro Nacional de Genética Medica, Administración Nacional de Laboratorios e Institutos de Salud (ANLIS) “Dr. Carlos G Malbrán”
Classification: Pathogenic for Stickler syndrome type 1. Last evaluated: 2025-11-09. Review status: criteria provided, single submitter. Criteria: ACMG Guidelines, 2015. Collection method: clinical testing. Allele origin: germline. Affected: yes. Observed: 1 variant allele.
Comment: As a consequence, a frameshift is predicted, with the appearance of a premature stop codon 29 residues downstream of the deletion. This type of variant generally results in the deletion of messenger RNA through nonsense-mediated decay (NMD) (PMID: 16757948; 17352659). COL2A1 is a gene with low tolerance for loss-of-function variants, with 532 such variants described to date, all of which are pathogenic. This variant would result in no translation and, consequently, no protein production (PVS1). The variant found is not present in population databases such as GnomAD, ExAc, or 1000 Genomes (PM2_Supporting). The patient's phenotype is consistent with Stickler syndrome (PP4). Based on the above and following the international rules of the American College of Medical Genetics (ACMG), the heterozygous variant identified in the COL2A1 c.836del gene (NM_001844.5) is classified as pathogenic (PVS1, PM2_Supporting, PP4).

Literature cited by the submitters: PubMed 16757948; PubMed 17352659.

NM_001844.5(COL2A1):c.836del (p.Gly279fs)

Gene: COL2A1 (collagen type II alpha 1 chain; minus strand). Cytogenetic location: 12q13.11.
Variant type: Deletion.
Coding change: c.836del on transcript NM_001844.5 (MANE Select); coding-DNA position 836, one base deleted (G; older notation c.836delG).
Protein change: p.Gly279fs; shifts the reading frame from glycine 279.
Molecular consequence: frameshift variant.
Genome position (GRCh38, 1-based): chr12:47,994,028, C deleted on the plus strand (G on the coding strand, the reverse complement: COL2A1 is on the minus strand); the first of 2 consecutive C bases (chr12:47,994,028-47,994,029); deleting either gives the same sequence. VCF-style (leftmost placement, unchanged base first): chr12-47994027-TC-T. GRCh37 (hg19) VCF-style: chr12-48387810-TC-T.
Other names: c.629del, p.Gly210fs (NM_033150.3); short protein forms G210fs, G279fs.
Identifiers: ClinVar variation 4871688 (VCV004871688.1).
Genomic context (GRCh38, chr12:47,994,027, plus strand): 5'-TCCAACCTTCTCACCCGTGATACTTACTCTGTGACCTTTGACACCAGGAAGGCCTGGGGT[TC>T]CTGGGAAACCACGAGCACCCTGCAATCCAAAGTGGAGGTGTTCAGAGCACAGAGTAAAAT-3'